The following is an entry in ClinVar:

ClinVar aggregate classification (germline): Likely benign. Review status: criteria provided, multiple submitters, no conflicts (2 of 4 stars). 7 submissions from 7 submitters: Likely benign (7). Last evaluated 2026-06-17.

Conditions:
Cardiovascular phenotype. Identifiers: MedGen CN230736.
Autosomal recessive limb-girdle muscular dystrophy type 2J (LGMDR10). Also called: Limb-girdle muscular dystrophy, type 2J; MUSCULAR DYSTROPHY, LIMB-GIRDLE, AUTOSOMAL RECESSIVE 10. Identifiers: Orphanet 140922, MedGen C1837342, MONDO:0012127, OMIM 608807.
Dilated cardiomyopathy 1G (CMD1G). Identifiers: Orphanet 154, MedGen C1858763, MONDO:0011400, OMIM 604145.
TTN-related disorder. Also called: TTN-related condition; TTN-related disease; TTN-related disorders.

Allele frequency attached by ClinVar (database versions not stated): gnomAD 0.00001; gnomAD exomes 0.00001; ExAC 0.00002; TOPMed 0.00002.
gnomAD v4.1: 9 of 1,614,020 alleles (0.00056%); highest among the groups gnomAD compares: Admixed American, 0.0017%; no homozygotes.

Submissions (7):

PreventionGenetics, part of Exact Sciences
Classification: Likely benign for TTN-related condition. Last evaluated: 2026-06-17. Review status: criteria provided, single submitter. Criteria: ACMG Guidelines, 2015. Collection method: clinical testing. Allele origin: germline.
Comment: This variant is classified as likely benign based on ACMG/AMP sequence variant interpretation guidelines (Richards et al. 2015 PMID: 25741868, with internal and published modifications).

Labcorp Genetics (formerly Invitae), Labcorp
Classification: Likely benign for Dilated cardiomyopathy 1G; Autosomal recessive limb-girdle muscular dystrophy type 2J. Last evaluated: 2026-01-05. Review status: criteria provided, single submitter. Criteria: Invitae Variant Classification Sherloc (09022015). Collection method: clinical testing. Allele origin: germline.

Ambry Genetics
Classification: Likely benign for Cardiovascular phenotype. Last evaluated: 2024-09-08. Review status: criteria provided, single submitter. Criteria: Ambry Variant Classification Scheme 2023. Collection method: clinical testing. Allele origin: germline.

Blueprint Genetics
Classification: Likely benign. Last evaluated: 2024-05-16. Review status: criteria provided, single submitter. Criteria: ACMG Guidelines, 2015. Collection method: clinical testing. Allele origin: germline.

ARUP Laboratories, Molecular Genetics and Genomics, ARUP Laboratories
Classification: Likely benign. Last evaluated: 2023-12-29. Review status: criteria provided, single submitter. Criteria: ARUP Molecular Germline Variant Investigation Process 2024. Collection method: clinical testing. Allele origin: germline.

Athena Diagnostics
Classification: Likely benign. Last evaluated: 2023-10-25. Review status: criteria provided, single submitter. Criteria: Athena Diagnostics Criteria. Collection method: clinical testing. Allele origin: unknown.

GeneDx
Classification: Likely benign. Last evaluated: 2017-06-14. Review status: criteria provided, single submitter. Criteria: GeneDx Variant Classification (06012015). Collection method: clinical testing. Allele origin: germline. Affected: yes.
Comment: This variant is considered likely benign or benign based on one or more of the following criteria: it is a conservative change, it occurs at a poorly conserved position in the protein, it is predicted to be benign by multiple in silico algorithms, and/or has population frequency not consistent with disease.

NM_001267550.2(TTN):c.516G>A (p.Gly172=)

Gene: TTN (titin; minus strand). Cytogenetic location: 2q31.2.
Variant type: single nucleotide variant.
Coding change: c.516G>A on transcript NM_001267550.2 (MANE Select); coding-DNA position 516, G replaced by A.
Protein change: p.Gly172=; no amino-acid change (glycine 172 retained).
Molecular consequence: synonymous variant.
Genome position (GRCh38, 1-based): chr2:178,800,462, C>T on the plus strand (G>A on the coding strand, the complement: TTN is on the minus strand). VCF-style: chr2-178800462-C-T. GRCh37 (hg19) VCF-style: chr2-179665189-C-T.
Other names: c.516G>A, p.Gly172= (NM_003319.4, NM_133378.4, NM_133379.5 and 3 more transcripts); c.516G>A (NM_001267550.1).
Identifiers: ClinVar variation 518077 (VCV000518077.14), dbSNP rs747789397, ClinGen allele CA2006313.
Genomic context (GRCh38, chr2:178,800,462, plus strand): 5'-CAGTAATTCAGCAGTCGAAGTAGCTCTTCCAACGCTATTGGTGGCATTTACTGAATAGGT[C>T]CCTGAGTCCTCAGGGTATGCTTCTGCAATCAGTAAGCTGTAGAGGTCGCCTTCTTGTGAA-3'
Protein context (NP_001254479.2, residues 162-182): LIAEAYPEDS[Gly172=]TYSVNATNSV